The following is an entry in ClinVar:

NM_025153.3(ATP10B):c.2713C>A (p.Arg905=)

Gene: ATP10B (ATPase phospholipid transporting 10B (putative); minus strand). Cytogenetic location: 5q34.
Variant type: single nucleotide variant.
Coding change: c.2713C>A on transcript NM_025153.3 (MANE Select); coding-DNA position 2713, C replaced by A.
Protein change: p.Arg905=; no amino-acid change (arginine 905 retained).
Molecular consequence: synonymous variant.
Genome position (GRCh38, 1-based): chr5:160,612,866, G>T on the plus strand (C>A on the coding strand, the complement: ATP10B is on the minus strand). VCF-style: chr5-160612866-G-T. GRCh37 (hg19) VCF-style: chr5-160039873-G-T.
Other names: c.2713C>A, p.Arg905= (NM_001366652.1, NM_001366655.1); c.2677C>A, p.Arg893= (NM_001366657.1); c.2629C>A, p.Arg877= (NM_001410822.1).
Identifiers: ClinVar variation 2656013 (VCV002656013.24), dbSNP rs760610785, ClinGen allele CA3542405.

ClinVar aggregate classification (germline): Likely benign (1 of 4 stars; one submission).

Allele frequency attached by ClinVar (database versions not stated): TOPMed below 0.00001; gnomAD 0.00001; ExAC 0.00003.
gnomAD v4.1: 8 of 1,613,846 alleles (0.0005%); highest among the groups gnomAD compares: Non-Finnish European, 0.00068%; no homozygotes.

Submission:

CeGaT Center for Human Genetics Tuebingen
Classification: Likely benign. Last evaluated: 2023-09-01. Review status: criteria provided, single submitter. Criteria: CeGaT Center For Human Genetics Tuebingen Variant Classification Criteria Version 2. Collection method: clinical testing. Allele origin: germline. Affected: yes. Observed: 1 variant allele.
Comment: ATP10B: BP4